The following is an entry in ClinVar:

ClinVar aggregate classification (germline): Uncertain significance (1 of 4 stars; one submission).

Conditions:
Tuberous sclerosis 2 (TSC2). Identifiers: Orphanet 805, MedGen C1860707, MONDO:0013199, OMIM 613254.

Submission:

Labcorp Genetics (formerly Invitae), Labcorp
Classification: Uncertain significance for Tuberous sclerosis 2. Last evaluated: 2024-04-22. Review status: criteria provided, single submitter. Criteria: Invitae Variant Classification Sherloc (09022015). Collection method: clinical testing. Allele origin: germline.
Comment: This sequence change falls in intron 8 of the TSC2 gene. It does not directly change the encoded amino acid sequence of the TSC2 protein. Information on the frequency of this variant in the gnomAD database is not available, as this variant may be reported differently in the database. This variant has not been reported in the literature in individuals affected with TSC2-related conditions. Experimental studies and prediction algorithms are not available or were not evaluated, and the effect of this variant on mRNA splicing is currently unknown. In summary, the available evidence is currently insufficient to determine the role of this variant in disease. Therefore, it has been classified as a Variant of Uncertain Significance.

NM_000548.5(TSC2):c.775-16_775-15delinsAT

Gene: TSC2 (TSC complex subunit 2; plus strand). Cytogenetic location: 16p13.3.
Variant type: Indel.
Coding change: c.775-16_775-15delinsAT on transcript NM_000548.5 (MANE Select); 16 bases into the intron before coding-DNA position 775 through 15 bases into the intron before coding-DNA position 775, GC replaced by AT.
Molecular consequence: intron variant.
Genome position (GRCh38, 1-based): chr16:2,057,089-2,057,090, GC replaced by AT. VCF-style: chr16-2057089-GC-AT. GRCh37 (hg19) VCF-style: chr16-2107090-GC-AT.
Other names: c.-657-16_-657-15delinsAT (NM_001406693.1, NM_001406689.1, NM_001406690.1 and 4 more transcripts); c.865-16_865-15delinsAT (NM_001406667.1, NM_001406668.1); c.175-16_175-15delinsAT (NM_001406680.1, NM_001406683.1, NM_001406687.1 and 6 more transcripts); c.-833-16_-833-15delinsAT (NM_001406698.1); c.775-16_775-15delinsAT (NM_001114382.3, NM_001406663.1, NM_001406664.1 and 6 more transcripts); c.-538-16_-538-15delinsAT (NM_001406694.1, NM_001406695.1); c.763-16_763-15delinsAT (NM_001406671.1, NM_001406673.1); c.313-16_313-15delinsAT (NM_001406681.1); and 4 more.
Identifiers: ClinVar variation 3650517 (VCV003650517.2).